The following is an entry in ClinVar:

NM_004360.5(CDH1):c.344C>T (p.Thr115Met)

Gene: CDH1 (cadherin 1; plus strand). Cytogenetic location: 16q22.1.
Variant type: single nucleotide variant.
Coding change: c.344C>T on transcript NM_004360.5 (MANE Select); coding-DNA position 344, C replaced by T.
Protein change: p.Thr115Met; replaces threonine 115 with methionine.
Molecular consequence: missense variant. On other transcripts: 5 prime UTR variant (2).
Genome position (GRCh38, 1-based): chr16:68,801,850, C>T. VCF-style: chr16-68801850-C-T. GRCh37 (hg19) VCF-style: chr16-68835753-C-T.
Other names: p.T115M:ACG>ATG; NM_004360.5(CDH1):c.344C>T; p.Thr115Met; c.344C>T (LRG_301t1); c.344C>T, p.Thr115Met (NM_001317184.2); c.-1272C>T (NM_001317185.2); c.-1476C>T (NM_001317186.2); short protein forms T115M.
Identifiers: ClinVar variation 140878 (VCV000140878.31), dbSNP rs370973869, ClinGen allele CA293962.
Genomic context (GRCh38, chr16:68,801,850, plus strand): 5'-AGATCCATTTCTTGGTCTACGCCTGGGACTCCACCTACAGAAAGTTTTCCACCAAAGTCA[C>T]GCTGAATACAGTGGGGCACCACCACCGCCCCCCGCCCCATCAGGTATGTTGGCATTTTTC-3'
Protein context (NP_004351.1, residues 105-125): STYRKFSTKV[Thr115Met]LNTVGHHHRP

ClinVar aggregate classification (germline): Likely benign. Review status: reviewed by expert panel (3 of 4 stars). 13 submissions from 13 submitters: Likely benign (1). 12 of the submissions do not count toward it. Last evaluated 2023-08-03.

Conditions:
CDH1-related diffuse gastric and lobular breast cancer syndrome. Also called: CDH1-related diffuse gastric and lobular breast cancer. Identifiers: MedGen CN311521, MONDO:0100488.
CDH1-related disorder. Also called: CDH1-related condition.
Hereditary cancer-predisposing syndrome. Also called: Tumor predisposition; Neoplastic Syndromes, Hereditary; Hereditary neoplastic syndrome; Hereditary Cancer Syndrome. Identifiers: Orphanet 140162, MedGen C0027672, MeSH D009386, MONDO:0015356.
Hereditary diffuse gastric adenocarcinoma (HDGC). Also called: DIFFUSE GASTRIC AND LOBULAR BREAST CANCER SYNDROME. Identifiers: Orphanet 26106, MedGen C1708349, MONDO:0007648, OMIM 137215.
Familial cancer of breast. Also called: BREAST CANCER, FAMILIAL; Hereditary breast cancer; hereditary breast carcinoma. Identifiers: Orphanet 227535, MedGen C0346153, MONDO:0016419, OMIM 114480. Disease mechanism: loss of function.

Allele frequency attached by ClinVar (database versions not stated): gnomAD exomes 0.00001 and 0.00002; gnomAD 0.00002; TOPMed 0.00002; ExAC 0.00004; ESP Exome Variant Server 0.00015.
gnomAD v4.1: 15 of 1,614,104 alleles (0.00093%); highest among the groups gnomAD compares: Middle Eastern, 0.016%; no homozygotes.

Submissions (13):

Clingen Gastric Cancer Variant Curation Expert Panel
Classification: Likely benign for CDH1-related diffuse gastric and lobular breast cancer syndrome. Last evaluated: 2023-08-03. Review status: reviewed by expert panel. Criteria: ClinGen CDH1 ACMG Specifications V3.1. Collection method: curation. Allele origin: germline. Inheritance: Autosomal dominant inheritance.
Comment: The c.344C>T (p.Thr115Met) missense variant has a maximum subpopulation frequency of 0.0097% in the gnomAD v2.1.1 cohort. This variant has been observed in over 75 probands not meeting HDGC phenotype criteria (BS2; SCV000254830.11, SCV000210896.16, SCV000183817.7). In summary, this variant meets criteria to be classified as Likely Benign based on the ACMG/AMP criteria applied as specified by the CDH1 Variant Curation Expert Panel: BS2. (CDH1 VCEP specifications version 3.1; 06/26/2023)

Labcorp Genetics (formerly Invitae), Labcorp
Classification: Likely benign for Hereditary diffuse gastric adenocarcinoma. Last evaluated: 2026-01-28. Review status: criteria provided, single submitter. Criteria: Invitae Variant Classification Sherloc (09022015). Collection method: clinical testing. Allele origin: germline. Not counted in ClinVar's aggregate classification.

PreventionGenetics, part of Exact Sciences
Classification: Uncertain significance for CDH1-related condition. Last evaluated: 2025-08-20. Review status: criteria provided, single submitter. Criteria: ACMG Guidelines, 2015. Collection method: clinical testing. Allele origin: germline. Not counted in ClinVar's aggregate classification.
Comment: The CDH1 c.344C>T variant is predicted to result in the amino acid substitution p.Thr115Met. This variant has been reported in two individuals with breast cancer (Hauke et al. 2018. PubMed ID: 29522266) and in unaffected control individuals in studies of breast cancer (Supplemental Data 2, Momozawa et al. 2018. PubMed ID: 30287823; Table 4, Bakos et al. 2021. PubMed ID: 34130653), pancreatic cancer (Supplementary Table 6, Mizukami et al. 2020. PubMed ID: 32980694), and biliary tract cancer (Okawa et al. 2023. PubMed ID: 36243179). This variant has conflicting interpretations in the ClinVar database ranging from uncertain to likely benign (Variation ID: 140878). This variant is reported in 0.0097% of alleles in individuals of Ashkenazi Jewish descent in gnomAD. At this time, the clinical significance of this variant is uncertain due to the absence of conclusive functional and genetic evidence.

Institute for Biomarker Research, Medical Diagnostic Laboratories, L.L.C.
Classification: Likely benign for Hereditary cancer-predisposing syndrome. Last evaluated: 2025-02-25. Review status: criteria provided, single submitter. Criteria: ACMG Guidelines, 2015. Collection method: clinical testing. Allele origin: germline. Not counted in ClinVar's aggregate classification.
Comment: The missense variant NM_004360.5(CDH1):c.344C>T (p.Thr115Met) has been reported to ClinVar as Likely benign with a status of (3 stars) reviewed by expert panel (Variation ID 140878 as of 2025-02-06). There is a moderate physicochemical difference between threonine and methionine. indicating that missense variants are a common mechanism of disease in this gene. For these reasons, this variant has been classified as Likely Benign.

Baylor Genetics
Classification: Uncertain significance for Familial cancer of breast. Last evaluated: 2023-10-30. Review status: criteria provided, single submitter. Criteria: ACMG Guidelines, 2015. Collection method: clinical testing. Allele origin: unknown. Not counted in ClinVar's aggregate classification.

Blueprint Genetics
Classification: Uncertain significance. Last evaluated: 2023-06-15. Review status: criteria provided, single submitter. Criteria: ACMG Guidelines, 2015. Collection method: clinical testing. Allele origin: germline. Not counted in ClinVar's aggregate classification.

Myriad Genetics, Inc.
Classification: Uncertain significance for Hereditary diffuse gastric adenocarcinoma. Last evaluated: 2023-03-06. Review status: criteria provided, single submitter. Criteria: Myriad Autosomal Dominant, Autosomal Recessive and X-Linked Classification Criteria (2023). Collection method: clinical testing. Allele origin: unknown. Not counted in ClinVar's aggregate classification.
Comment: This variant is classified as a variant of uncertain significance as there is insufficient evidence to determine its impact on protein function and/or cancer risk.

Quest Diagnostics Nichols Institute San Juan Capistrano
Classification: Uncertain significance. Last evaluated: 2022-11-01. Review status: criteria provided, single submitter. Criteria: Quest Diagnostics criteria. Collection method: clinical testing. Allele origin: unknown. Not counted in ClinVar's aggregate classification.
Comment: The frequency of this variant in the general population, 0.000047 (6/128864 chromosomes), is uninformative in assessment of its pathogenicity. In the published literature, the variant has been identified in women affected with breast cancer (PMID: 29522266 (2018), 34130653 (2021)) or at-risk of breast/ovarian cancer (PMID: 31159747 (2019), 34359559 (2021)). It was also identified only in the control groups for studies of biliary tract cancer (PMID: 36243179 (2022)), breast cancer (PMID: 30287823 (2018)), pancreatic cancer (PMID: 32980694 (2020)). Analysis of this variant using bioinformatics tools for the prediction of the effect of amino acid changes on protein structure and function yielded conflicting predictions that this variant is benign or damaging. Based on the available information, we are unable to determine the clinical significance of this variant.

GeneDx
Classification: Uncertain significance. Last evaluated: 2022-08-19. Review status: criteria provided, single submitter. Criteria: GeneDx Variant Classification Process June 2021. Collection method: clinical testing. Allele origin: germline. Affected: yes. Not counted in ClinVar's aggregate classification.
Comment: In silico analysis supports that this missense variant does not alter protein structure/function; Observed in individuals undergoing hereditary cancer testing but also present in controls (Momozawa et al., 2018; Tsaousis et al., 2019); This variant is associated with the following publications: (PMID: 15235021, 30287823, 31159747)

Color Diagnostics, LLC DBA Color Health
Classification: Uncertain significance for Hereditary cancer-predisposing syndrome. Last evaluated: 2022-03-17. Review status: criteria provided, single submitter. Criteria: ACMG Guidelines, 2015. Collection method: clinical testing. Allele origin: germline. Not counted in ClinVar's aggregate classification.
Comment: This missense variant replaces threonine with methionine at codon 115 of the CDH1 protein. To our knowledge, functional studies have not been reported for this variant. This variant has been reported in individuals affected with breast cancer in the literature (PMID: 29522266) but also in control individuals (PMID: 30287823). This variant has been identified in 7/282510 chromosomes in the general population by the Genome Aggregation Database (gnomAD). The available evidence is insufficient to determine the role of this variant in disease conclusively. Therefore, this variant is classified as a Variant of Uncertain Significance.

Ambry Genetics
Classification: Likely benign for Hereditary cancer-predisposing syndrome. Last evaluated: 2020-09-02. Review status: criteria provided, single submitter. Criteria: Ambry Variant Classification Scheme 2023. Collection method: clinical testing. Allele origin: germline. Not counted in ClinVar's aggregate classification.

GeneKor MSA
Classification: Uncertain significance for Hereditary cancer-predisposing syndrome. Last evaluated: 2018-08-01. Review status: criteria provided, single submitter. Criteria: ACMG Guidelines, 2015. Collection method: clinical testing. Allele origin: germline. Affected: yes. Not counted in ClinVar's aggregate classification.

Counsyl
Classification: Uncertain significance for Hereditary diffuse gastric adenocarcinoma. Last evaluated: 2017-05-08. Review status: no assertion criteria provided. Collection method: clinical testing. Allele origin: unknown. Not counted in ClinVar's aggregate classification.

Literature cited by the submitters: PubMed 29522266 (cited by 3 submitters); PubMed 30287823 (cited by 3 submitters); PubMed 31159747 (cited by Quest Diagnostics Nichols Institute San Juan Capistrano and Ambry Genetics); PubMed 32980694 (cited by Quest Diagnostics Nichols Institute San Juan Capistrano); PubMed 34130653 (cited by Quest Diagnostics Nichols Institute San Juan Capistrano); PubMed 36243179 (cited by Quest Diagnostics Nichols Institute San Juan Capistrano); PubMed 34359559 (cited by Quest Diagnostics Nichols Institute San Juan Capistrano).